The following is an entry in ClinVar:

NM_032590.5(KDM2B):c.325C>T (p.Arg109Ter)

Gene: KDM2B (lysine demethylase 2B; minus strand). Cytogenetic location: 12q24.31.
Variant type: single nucleotide variant.
Coding change: c.325C>T on transcript NM_032590.5 (MANE Select); coding-DNA position 325, C replaced by T.
Protein change: p.Arg109Ter; replaces arginine 109 with a stop codon.
Molecular consequence: nonsense.
Genome position (GRCh38, 1-based): chr12:121,575,806, G>A on the plus strand (C>T on the coding strand, the complement: KDM2B is on the minus strand). VCF-style: chr12-121575806-G-A. GRCh37 (hg19) VCF-style: chr12-122013711-G-A.
Other names: c.232C>T, p.Arg78Ter (NM_001005366.2); short protein forms R109*, R78*.
Identifiers: ClinVar variation 3365923 (VCV003365923.1).

ClinVar aggregate classification (germline): Uncertain significance (1 of 4 stars; one submission).

Submission:

GeneDx
Classification: Uncertain significance. Last evaluated: 2023-12-26. Review status: criteria provided, single submitter. Criteria: GeneDx Variant Classification Process June 2021. Collection method: clinical testing. Allele origin: germline. Affected: yes.
Comment: Nonsense variant predicted to result in protein truncation or nonsense mediated decay in a gene for which loss of function is a known mechanism of disease; Has not been previously published as pathogenic or benign to our knowledge